The following is an entry in ClinVar:

ClinVar aggregate classification (germline): Conflicting classifications of pathogenicity. Review status: criteria provided, conflicting classifications (1 of 4 stars). 7 submissions from 7 submitters: Uncertain significance (5); Likely benign (2). Last evaluated 2026-03-26.

Conditions:
Cardiovascular phenotype. Identifiers: MedGen CN230736.
TTN-related disorder. Also called: TTN-related condition; TTN-related disease; TTN-related disorders.

Allele frequency attached by ClinVar (database versions not stated): ExAC 0.00002; gnomAD exomes 0.00002 and 0.00003; TOPMed 0.00008; gnomAD 0.00009 and 0.00010; 1000 Genomes Project 30x 0.00016; 1000 Genomes Project 0.00020.
gnomAD v4.1: 61 of 1,613,944 alleles (0.0038%); highest among the groups gnomAD compares: African/African-American, 0.023%; no homozygotes.

Submissions (7):

PreventionGenetics, part of Exact Sciences
Classification: Uncertain significance for TTN-related condition. Last evaluated: 2026-03-26. Review status: criteria provided, single submitter. Criteria: ACMG Guidelines, 2015. Collection method: clinical testing. Allele origin: germline.
Comment: The TTN c.102353G>A variant is predicted to result in the amino acid substitution p.Arg34118Gln. To our knowledge, this variant has not been reported in the literature. This variant is reported in 0.025% of alleles in individuals of African descent in gnomAD. At this time, the clinical significance of this variant is uncertain due to the absence of conclusive functional and genetic evidence.

Molecular Diagnostic Laboratory for Inherited Cardiovascular Disease, Montreal Heart Institute
Classification: Likely benign. Last evaluated: 2025-04-09. Review status: criteria provided, single submitter. Criteria: ACMG Guidelines, 2015. Collection method: clinical testing. Allele origin: germline. Affected: no.

Revvity Omics, Revvity
Classification: Uncertain significance. Last evaluated: 2024-11-04. Review status: criteria provided, single submitter. Criteria: ACMG Guidelines, 2015. Collection method: clinical testing. Allele origin: germline.

CeGaT Center for Human Genetics Tuebingen
Classification: Uncertain significance. Last evaluated: 2022-06-01. Review status: criteria provided, single submitter. Criteria: CeGaT Center For Human Genetics Tuebingen Variant Classification Criteria Version 2. Collection method: clinical testing. Allele origin: germline. Affected: yes. Observed: 1 variant allele.
Comment: TTN: PM2, BP4

ARUP Laboratories, Molecular Genetics and Genomics, ARUP Laboratories
Classification: Uncertain significance. Last evaluated: 2020-10-01. Review status: criteria provided, single submitter. Criteria: ARUP Molecular Germline Variant Investigation Process 2021. Collection method: clinical testing. Allele origin: germline.
Comment: The TTN c.102353G>A; p.Arg34118Gln variant (rs551905996) is rare in the general population (<0.2% allele frequency in the Genome Aggregation Database) and has not been reported in the medical literature in association with dilated cardiomyopathy (DCM) or other TTN-related disease. The clinical relevance of rare missense variants in this gene, which are identified on average once per individual sequenced in affected populations (Herman 2012), is not well understood. Yet, evidence suggests that the vast majority of such missense variants do not contribute to the clinical outcome of DCM (Begay 2015). Thus, the clinical significance of the p.Arg34118Gln variant cannot be determined with certainty. References: Begay RL et al. Role of Titin Missense Variants in Dilated Cardiomyopathy. J Am Heart Assoc. 2015 Nov 13;4(11). Herman DS et al. Truncations of titin causing dilated cardiomyopathy. N Engl J Med. 2012 Feb 16;366(7):619-28. Linke WA and Hamdani N. Gigantic business: titin properties and function through thick and thin. Circ Res 2014; 114(6): 1052-1068.

Ambry Genetics
Classification: Uncertain significance for Cardiovascular phenotype. Last evaluated: 2020-03-06. Review status: criteria provided, single submitter. Criteria: Ambry Variant Classification Scheme 2023. Collection method: clinical testing. Allele origin: germline.
Comment: The p.R25053Q variant (also known as c.75158G>A), located in coding exon 185 of the TTN gene, results from a G to A substitution at nucleotide position 75158. The arginine at codon 25053 is replaced by glutamine, an amino acid with highly similar properties. This amino acid position is well conserved in available vertebrate species. In addition, this alteration is predicted to be tolerated by in silico analysis. Since supporting evidence is limited at this time, the clinical significance of this alteration remains unclear.

GeneDx
Classification: Likely benign. Last evaluated: 2020-01-16. Review status: criteria provided, single submitter. Criteria: GeneDx Variant Classification Process June 2021. Collection method: clinical testing. Allele origin: germline. Affected: yes.

NM_001267550.2(TTN):c.102353G>A (p.Arg34118Gln)

Genes: TTN (titin; minus strand), TTN-AS1 (TTN antisense RNA 1; plus strand). Cytogenetic location: 2q31.2.
Variant type: single nucleotide variant.
Coding change: c.102353G>A on transcript NM_001267550.2 (MANE Select); coding-DNA position 102353, G replaced by A.
Protein change: p.Arg34118Gln; replaces arginine 34118 with glutamine.
Molecular consequence: missense variant.
Genome position (GRCh38, 1-based): chr2:178,534,262, C>T on the plus strand (G>A on the coding strand, the complement: TTN is on the minus strand). VCF-style: chr2-178534262-C-T. GRCh37 (hg19) VCF-style: chr2-179398989-C-T.
Other names: c.97430G>A, p.Arg32477Gln (NM_001256850.1); c.75158G>A, p.Arg25053Gln (NM_003319.4); c.94649G>A, p.Arg31550Gln (NM_133378.4); c.75533G>A, p.Arg25178Gln (NM_133432.3); c.75734G>A, p.Arg25245Gln (NM_133437.4); short protein forms R25053Q, R25178Q, R25245Q, R31550Q, R32477Q, R34118Q.
Identifiers: ClinVar variation 1216221 (VCV001216221.39), dbSNP rs551905996, ClinGen allele CA1985765.